The following is an entry in ClinVar:

NM_003737.4(DCHS1):c.2669A>G (p.Asn890Ser)

Gene: DCHS1 (dachsous cadherin-related 1; minus strand). Cytogenetic location: 11p15.4.
Variant type: single nucleotide variant.
Coding change: c.2669A>G on transcript NM_003737.4 (MANE Select); coding-DNA position 2669, A replaced by G.
Protein change: p.Asn890Ser; replaces asparagine 890 with serine.
Molecular consequence: missense variant.
Genome position (GRCh38, 1-based): chr11:6,632,843, T>C on the plus strand (A>G on the coding strand, the complement: DCHS1 is on the minus strand). VCF-style: chr11-6632843-T-C. GRCh37 (hg19) VCF-style: chr11-6654074-T-C.
Other names: c.2669A>G (NM_003737.2); short protein forms N890S.
Identifiers: ClinVar variation 2889526 (VCV002889526.4), dbSNP rs2493830177, ClinGen allele CA379419957.
Genomic context (GRCh38, chr11:6,632,843, plus strand): 5'-CCTGGGGCAGTGTTTGGTGGTAGCAATACCGTGTCTTCAGGTGCAGGAAAGGCAGGGGAG[T>C]TGTCATTCACATCATCCAGCAGCACACGCACCCGAGCTACAGCGAAAGCTGGGGGCACTC-3'
Protein context (NP_003728.1, residues 880-900): VRVLLDDVND[Asn890Ser]SPAFPAPEDT

ClinVar aggregate classification (germline): Uncertain significance. Review status: criteria provided, multiple submitters, no conflicts (2 of 4 stars). 2 submissions from 2 submitters: Uncertain significance (2). Last evaluated 2025-01-29.

Conditions:
Inborn genetic diseases. Identifiers: MedGen C0950123, MeSH D030342.

Submissions (2):

Ambry Genetics
Classification: Uncertain significance for Inborn genetic diseases. Last evaluated: 2025-01-29. Review status: criteria provided, single submitter. Criteria: Ambry Variant Classification Scheme 2023. Collection method: clinical testing. Allele origin: germline.

Labcorp Genetics (formerly Invitae), Labcorp
Classification: Uncertain significance. Last evaluated: 2024-04-25. Review status: criteria provided, single submitter. Criteria: Invitae Variant Classification Sherloc (09022015). Collection method: clinical testing. Allele origin: germline.
Comment: This sequence change replaces asparagine, which is neutral and polar, with serine, which is neutral and polar, at codon 890 of the DCHS1 protein (p.Asn890Ser). This variant is not present in population databases (gnomAD no frequency). This variant has not been reported in the literature in individuals affected with DCHS1-related conditions. Advanced modeling of protein sequence and biophysical properties (such as structural, functional, and spatial information, amino acid conservation, physicochemical variation, residue mobility, and thermodynamic stability) performed at Invitae indicates that this missense variant is not expected to disrupt DCHS1 protein function with a negative predictive value of 80%. In summary, the available evidence is currently insufficient to determine the role of this variant in disease. Therefore, it has been classified as a Variant of Uncertain Significance.